The following is an entry in ClinVar:

NM_007294.4(BRCA1):c.109A>T (p.Thr37Ser)

Gene: BRCA1 (BRCA1 DNA repair associated; minus strand). Cytogenetic location: 17q21.31.
Variant type: single nucleotide variant.
Coding change: c.109A>T on transcript NM_007294.4 (MANE Select); coding-DNA position 109, A replaced by T.
Protein change: p.Thr37Ser; replaces threonine 37 with serine.
Molecular consequence: missense variant. On other transcripts: non-coding transcript variant (1), intron variant (1).
Genome position (GRCh38, 1-based): chr17:43,115,751, T>A on the plus strand (A>T on the coding strand, the complement: BRCA1 is on the minus strand). VCF-style: chr17-43115751-T-A. GRCh37 (hg19) VCF-style: chr17-41267768-T-A.
Other names: c.-80A>T (NM_001407916.1, NM_001407917.1, NM_001407918.1 and 52 more transcripts); c.109A>T, p.Thr37Ser (NM_001407919.1, NM_001407937.1, NM_001407938.1 and 192 more transcripts); c.-33A>T (NM_001407920.1, NM_001407921.1, NM_001407922.1 and 47 more transcripts); c.-149A>T (NM_001407930.1, NM_001407942.1, NM_001408501.1 and 13 more transcripts); c.-195A>T (NM_001407960.1, NM_001407962.1, NM_001408510.1 and 1 more transcripts); c.-311A>T (NM_001407965.1); c.-196A>T (NM_001408492.1, NM_001407889.1, NM_001407900.1); c.-8+8266A>T (NM_007297.4); and 2 more; short protein forms T37S.
Identifiers: ClinVar variation 868147 (VCV000868147.3), dbSNP rs2055253295, ClinGen allele CA10601936.

Conditions:
Breast-ovarian cancer, familial, susceptibility to, 1 (BROVCA1). Also called: BRCA1 Hereditary Breast and Ovarian Cancer; OVARIAN CANCER, SUSCEPTIBILITY TO. Identifiers: Orphanet 145, MedGen C2676676, MONDO:0011450, OMIM 604370. Disease mechanism: loss of function.

Submission:

Brotman Baty Institute, University of Washington
No classification provided (evidence only). Condition: Breast-ovarian cancer, familial 1. Review status: no classification provided. Collection method: in vitro. Allele origin: not applicable. Functional consequence: functionally_normal.
ClinVar note: "not provided" was previously submitted as the classification for the variant. However, the classification appeared to be based only on an observation of functional data so it was converted to no classification on 2025-07-30.